The following is an entry in ClinVar:

NM_000094.4(COL7A1):c.7619A>G (p.Glu2540Gly)

Gene: COL7A1 (collagen type VII alpha 1 chain; minus strand). Cytogenetic location: 3p21.31.
Variant type: single nucleotide variant.
Coding change: c.7619A>G on transcript NM_000094.4 (MANE Select); coding-DNA position 7619, A replaced by G.
Protein change: p.Glu2540Gly; replaces glutamic acid 2540 with glycine.
Molecular consequence: missense variant.
Genome position (GRCh38, 1-based): chr3:48,569,442, T>C on the plus strand (A>G on the coding strand, the complement: COL7A1 is on the minus strand). VCF-style: chr3-48569442-T-C. GRCh37 (hg19) VCF-style: chr3-48606875-T-C.
Other names: short protein forms E2540G.
Identifiers: ClinVar variation 2984774 (VCV002984774.4), dbSNP rs769086974, ClinGen allele CA2378375.
Genomic context (GRCh38, chr3:48,569,442, plus strand): 5'-CCAGGGTCCCCATTGTCTCCCCGAGGTCCTTTGTCACCATCCAAGCCCCGAGGCCCTCGT[T>C]CACCCTGGGTTGGTTTGGGTAAGAAGTCACGGTAAGGGGCTGAAGGTCCCTCACCCTCTG-3'
Protein context (NP_000085.1, residues 2530-2550): GPRGAKGDMG[Glu2540Gly]RGPRGLDGDK

ClinVar aggregate classification (germline): Uncertain significance. Review status: criteria provided, multiple submitters, no conflicts (2 of 4 stars). 2 submissions from 2 submitters: Uncertain significance (2). Last evaluated 2026-04-14.

Allele frequency attached by ClinVar (database versions not stated): gnomAD exomes 0.00001; ExAC 0.00004.
gnomAD v4.1: 9 of 1,614,162 alleles (0.00056%); highest among the groups gnomAD compares: Non-Finnish European, 0.00076%; no homozygotes.

Submissions (2):

Women's Health and Genetics/Laboratory Corporation of America, LabCorp
Classification: Uncertain significance. Last evaluated: 2026-04-14. Review status: criteria provided, single submitter. Criteria: LabCorp Variant Classification Summary - May 2015. Collection method: clinical testing. Allele origin: germline.

Labcorp Genetics (formerly Invitae), Labcorp
Classification: Uncertain significance. Last evaluated: 2024-01-13. Review status: criteria provided, single submitter. Criteria: Invitae Variant Classification Sherloc (09022015). Collection method: clinical testing. Allele origin: germline.
Comment: This sequence change replaces glutamic acid, which is acidic and polar, with glycine, which is neutral and non-polar, at codon 2540 of the COL7A1 protein (p.Glu2540Gly). This variant is present in population databases (rs769086974, gnomAD 0.004%). This variant has not been reported in the literature in individuals affected with COL7A1-related conditions. Advanced modeling of protein sequence and biophysical properties (such as structural, functional, and spatial information, amino acid conservation, physicochemical variation, residue mobility, and thermodynamic stability) has been performed at Invitae for this missense variant, however the output from this modeling did not meet the statistical confidence thresholds required to predict the impact of this variant on COL7A1 protein function. In summary, the available evidence is currently insufficient to determine the role of this variant in disease. Therefore, it has been classified as a Variant of Uncertain Significance.